The following is an entry in ClinVar:

NM_001376256.1(CRYM):c.479C>T (p.Ser160Phe)

Gene: CRYM (crystallin mu; minus strand). Cytogenetic location: 16p12.2.
Variant type: single nucleotide variant.
Coding change: c.479C>T on transcript NM_001376256.1 (MANE Select); coding-DNA position 479, C replaced by T.
Protein change: p.Ser160Phe; replaces serine 160 with phenylalanine.
Molecular consequence: missense variant.
Genome position (GRCh38, 1-based): chr16:21,269,800, G>A on the plus strand (C>T on the coding strand, the complement: CRYM is on the minus strand). VCF-style: chr16-21269800-G-A. GRCh37 (hg19) VCF-style: chr16-21281121-G-A.
Other names: c.479C>T, p.Ser160Phe (NM_001888.5); short protein forms S160F.
Identifiers: ClinVar variation 546159 (VCV000546159.2), dbSNP rs774967684, ClinGen allele CA7950728.

ClinVar aggregate classification (germline): Uncertain significance (1 of 4 stars; one submission).

Allele frequency attached by ClinVar (database versions not stated): gnomAD exomes below 0.00001 and 0.00001; ExAC 0.00001; gnomAD 0.00002; TOPMed 0.00002.

Submission:

GeneDx
Classification: Uncertain significance. Last evaluated: 2018-05-15. Review status: criteria provided, single submitter. Criteria: GeneDx Variant Classification (06012015). Collection method: clinical testing. Allele origin: germline. Affected: yes.
Comment: The S160F variant has not been published as a pathogenic variant, nor has it been reported as a benign variant to our knowledge. The variant is observed in 1/15282 (0.006544%) alleles from individuals of African background in large population cohorts (Lek et al., 2016). S160F is a non-conservative amino acid substitution, which is likely to impact secondary protein structure as these residues differ in polarity, charge, size and/or other properties. In-silico analyses, including protein predictors and evolutionary conservation, support a deleterious effect. In summary, based on the currently available information, it is unclear whether this variant is a pathogenic variant or a rare benign variant.